The following is an entry in ClinVar:

NM_201253.3(CRB1):c.770dup (p.Asp257fs)

Gene: CRB1 (crumbs cell polarity complex component 1; plus strand). Cytogenetic location: 1q31.3.
Variant type: Duplication.
Coding change: c.770dup on transcript NM_201253.3 (MANE Select); coding-DNA position 770, one base duplicated (A; older notation c.770dupA).
Protein change: p.Asp257fs; shifts the reading frame from aspartic acid 257.
Molecular consequence: frameshift variant. On other transcripts: non-coding transcript variant (2), intron variant (1).
Genome position (GRCh38, 1-based): chr1:197,344,398, A duplicated. VCF-style (leftmost placement, unchanged base first): chr1-197344397-G-GA. GRCh37 (hg19) VCF-style: chr1-197313527-G-GA.
Other names: c.563dup, p.Asp188fs (NM_001257965.2); c.770dup, p.Asp257fs (NM_001257966.2); c.653-12433dup (NM_001193640.2); short protein forms D188fs, D257fs.
Identifiers: ClinVar variation 1075887 (VCV001075887.7), dbSNP rs2125328456, ClinGen allele CA2499214388.

ClinVar aggregate classification (germline): Pathogenic (1 of 4 stars; one submission).

Conditions:
Retinitis pigmentosa 12 (RP12). Also called: RP WITH OR WITHOUT PPRPE; RP WITH OR WITHOUT PRESERVED PARAARTERIOLE RETINAL PIGMENT EPITHELIUM; RETINITIS PIGMENTOSA WITH OR WITHOUT PARAARTERIOLAR PRESERVATION OF RETINAL PIGMENT EPITHELIUM. Identifiers: Orphanet 791, MedGen C1838647, MONDO:0010818, OMIM 600105.
Leber congenital amaurosis 8 (LCA8). Identifiers: Orphanet 65, MedGen C3151202, MONDO:0013453, OMIM 613835.

Submission:

Labcorp Genetics (formerly Invitae), Labcorp
Classification: Pathogenic for Leber congenital amaurosis 8; Retinitis pigmentosa 12. Last evaluated: 2020-10-13. Review status: criteria provided, single submitter. Criteria: Invitae Variant Classification Sherloc (09022015). Collection method: clinical testing. Allele origin: germline.
Comment: This sequence change creates a premature translational stop signal (p.Asp257Glufs*4) in the CRB1 gene. It is expected to result in an absent or disrupted protein product. For these reasons, this variant has been classified as Pathogenic. Loss-of-function variants in CRB1 are known to be pathogenic (PMID: 10508521, 22065545, 23379534, 25412400, 26957898, 28041643, 29391521). This variant has not been reported in the literature in individuals with CRB1-related conditions. This variant is not present in population databases (ExAC no frequency).

Literature cited by the submitters: PubMed 10508521; PubMed 22065545; PubMed 23379534; PubMed 25412400; PubMed 26957898; PubMed 28041643; PubMed 29391521.